The following is an entry in ClinVar:

ClinVar aggregate classification (germline): Uncertain significance. Review status: criteria provided, multiple submitters, no conflicts (2 of 4 stars). 3 submissions from 3 submitters: Uncertain significance (3). Last evaluated 2025-11-01.

Conditions:
Pontocerebellar hypoplasia type 6 (PCH6). Identifiers: Orphanet 166073, MedGen C1969084, MONDO:0012683, OMIM 611523.

Allele frequency attached by ClinVar (database versions not stated): TOPMed below 0.00001; ExAC 0.00002.
gnomAD v4.1: 5 of 1,610,654 alleles (0.00031%); highest among the groups gnomAD compares: Admixed American, 0.0083%; no homozygotes.

Submissions (3):

CeGaT Center for Human Genetics Tuebingen
Classification: Uncertain significance. Last evaluated: 2025-11-01. Review status: criteria provided, single submitter. Criteria: CeGaT Center For Human Genetics Tuebingen Variant Classification Criteria Version 2. Collection method: clinical testing. Allele origin: germline. Affected: yes. Observed: 1 variant allele.
Comment: RARS2: PM2

GeneDx
Classification: Uncertain significance. Last evaluated: 2025-09-09. Review status: criteria provided, single submitter. Criteria: GeneDx Variant Classification Process June 2021. Collection method: clinical testing. Allele origin: germline.
Comment: Not observed at significant frequency in large population cohorts (gnomAD); In silico analysis suggests that this missense variant does not alter protein structure/function; Has not been previously published as pathogenic or benign to our knowledge

Baylor Genetics
Classification: Uncertain significance for Pontocerebellar hypoplasia type 6. Last evaluated: 2024-03-29. Review status: criteria provided, single submitter. Criteria: ACMG Guidelines, 2015. Collection method: clinical testing. Allele origin: unknown.

NM_020320.5(RARS2):c.124T>A (p.Phe42Ile)

Gene: RARS2 (arginyl-tRNA synthetase 2, mitochondrial; minus strand). Cytogenetic location: 6q15.
Variant type: single nucleotide variant.
Coding change: c.124T>A on transcript NM_020320.5 (MANE Select); coding-DNA position 124, T replaced by A.
Protein change: p.Phe42Ile; replaces phenylalanine 42 with isoleucine.
Molecular consequence: missense variant. On other transcripts: 5 prime UTR variant (7), non-coding transcript variant (23).
Genome position (GRCh38, 1-based): chr6:87,564,219, A>T on the plus strand (T>A on the coding strand, the complement: RARS2 is on the minus strand). VCF-style: chr6-87564219-A-T. GRCh37 (hg19) VCF-style: chr6-88273937-A-T.
Other names: c.-346T>A (NM_001318785.2, NM_001350509.2); c.124T>A, p.Phe42Ile (NM_001350505.2); c.-402T>A (NM_001350506.2, NM_001350507.2, NM_001350510.2 and 1 more transcripts); c.-564T>A (NM_001350508.2); c.124T>A (NM_020320.3); short protein forms F42I.
Identifiers: ClinVar variation 3237484 (VCV003237484.9), dbSNP rs765275548.